The following is an entry in ClinVar:

NM_001267727.2(ARSG):c.1418C>T (p.Ala473Val)

Genes: ARSG (arylsulfatase G; plus strand), PRKAR1A (protein kinase cAMP-dependent type I regulatory subunit alpha; plus strand). Cytogenetic location: 17q24.2.
Variant type: single nucleotide variant.
Coding change: c.1418C>T on transcript NM_001267727.2 (MANE Select); coding-DNA position 1418, C replaced by T.
Protein change: p.Ala473Val; replaces alanine 473 with valine.
Molecular consequence: missense variant. On other transcripts: intron variant (3).
Genome position (GRCh38, 1-based): chr17:68,420,303, C>T. VCF-style: chr17-68420303-C-T. GRCh37 (hg19) VCF-style: chr17-66416444-C-T.
Other names: c.1418C>T, p.Ala473Val (NM_001352900.2, NM_001352901.2, NM_001352902.2 and 2 more transcripts); c.1415C>T, p.Ala472Val (NM_001352903.2, NM_001352904.2, NM_001352905.2 and 2 more transcripts); c.1303+18853C>T (NM_001352910.2); c.1255+18853C>T (NM_001352909.2); c.-7+6508C>T (NM_001278433.2); short protein forms A472V, A473V.
Identifiers: ClinVar variation 1375874 (VCV001375874.6), dbSNP rs754703816, ClinGen allele CA8728578.

ClinVar aggregate classification (germline): Uncertain significance. Review status: criteria provided, multiple submitters, no conflicts (2 of 4 stars). 2 submissions from 2 submitters: Uncertain significance (2). Last evaluated 2024-02-26.

Allele frequency attached by ClinVar (database versions not stated): gnomAD exomes 0.00002 and 0.00001; gnomAD 0.00002; TOPMed 0.00001; ExAC 0.00001.
gnomAD v4.1: 10 of 1,613,942 alleles (0.00062%); highest among the groups gnomAD compares: Admixed American, 0.005%; no homozygotes.

Submissions (2):

Ambry Genetics
Classification: Uncertain significance. Last evaluated: 2024-02-26. Review status: criteria provided, single submitter. Criteria: Ambry Variant Classification Scheme 2023. Collection method: clinical testing. Allele origin: germline.

Labcorp Genetics (formerly Invitae), Labcorp
Classification: Uncertain significance. Last evaluated: 2022-07-26. Review status: criteria provided, single submitter. Criteria: Invitae Variant Classification Sherloc (09022015). Collection method: clinical testing. Allele origin: germline.
Comment: This sequence change replaces alanine, which is neutral and non-polar, with valine, which is neutral and non-polar, at codon 473 of the ARSG protein (p.Ala473Val). This variant is present in population databases (rs754703816, gnomAD 0.01%). This variant has not been reported in the literature in individuals affected with ARSG-related conditions. ClinVar contains an entry for this variant (Variation ID: 1375874). Algorithms developed to predict the effect of missense changes on protein structure and function (SIFT, PolyPhen-2, Align-GVGD) all suggest that this variant is likely to be tolerated. In summary, the available evidence is currently insufficient to determine the role of this variant in disease. Therefore, it has been classified as a Variant of Uncertain Significance.